The following is an entry in ClinVar:

NM_014363.6(SACS):c.8357A>G (p.Asp2786Gly)

Gene: SACS (sacsin molecular chaperone; minus strand). Cytogenetic location: 13q12.12.
Variant type: single nucleotide variant.
Coding change: c.8357A>G on transcript NM_014363.6 (MANE Select); coding-DNA position 8357, A replaced by G.
Protein change: p.Asp2786Gly; replaces aspartic acid 2786 with glycine.
Molecular consequence: missense variant.
Genome position (GRCh38, 1-based): chr13:23,335,519, T>C on the plus strand (A>G on the coding strand, the complement: SACS is on the minus strand). VCF-style: chr13-23335519-T-C. GRCh37 (hg19) VCF-style: chr13-23909658-T-C.
Other names: c.7916A>G, p.Asp2639Gly (NM_001278055.2); short protein forms D2786G, D2639G.
Identifiers: ClinVar variation 578026 (VCV000578026.6), dbSNP rs1566063039, ClinGen allele CA387516819.

ClinVar aggregate classification (germline): Uncertain significance (1 of 4 stars; one submission).

Conditions:
Spastic paraplegia. Identifiers: MedGen C0037772, HP:0001258.

Allele frequency attached by ClinVar (database versions not stated): TOPMed below 0.00001; gnomAD 0.00001.

Submission:

Labcorp Genetics (formerly Invitae), Labcorp
Classification: Uncertain significance for Spastic paraplegia. Last evaluated: 2021-08-31. Review status: criteria provided, single submitter. Criteria: Invitae Variant Classification Sherloc (09022015). Collection method: clinical testing. Allele origin: germline.
Comment: This sequence change replaces aspartic acid with glycine at codon 2786 of the SACS protein (p.Asp2786Gly). The aspartic acid residue is moderately conserved and there is a moderate physicochemical difference between aspartic acid and glycine. This variant is not present in population databases (ExAC no frequency). This variant has not been reported in the literature in individuals affected with SACS-related conditions. Algorithms developed to predict the effect of missense changes on protein structure and function are either unavailable or do not agree on the potential impact of this missense change (SIFT: "Deleterious"; PolyPhen-2: "Probably Damaging"; Align-GVGD: "Class C0"). In summary, the available evidence is currently insufficient to determine the role of this variant in disease. Therefore, it has been classified as a Variant of Uncertain Significance.